The following is an entry in ClinVar:

NM_001999.4(FBN2):c.6841A>C (p.Ile2281Leu)

Gene: FBN2 (fibrillin 2; minus strand). Cytogenetic location: 5q23.3.
Variant type: single nucleotide variant.
Coding change: c.6841A>C on transcript NM_001999.4 (MANE Select); coding-DNA position 6841, A replaced by C.
Protein change: p.Ile2281Leu; replaces isoleucine 2281 with leucine.
Molecular consequence: missense variant.
Genome position (GRCh38, 1-based): chr5:128,287,347, T>G on the plus strand (A>C on the coding strand, the complement: FBN2 is on the minus strand). VCF-style: chr5-128287347-T-G. GRCh37 (hg19) VCF-style: chr5-127623039-T-G.
Other names: short protein forms I2281L.
Identifiers: ClinVar variation 3360843 (VCV003360843.2).

ClinVar aggregate classification (germline): Uncertain significance. Review status: criteria provided, multiple submitters, no conflicts (2 of 4 stars). 2 submissions from 2 submitters: Uncertain significance (2). Last evaluated 2025-10-30.

Conditions:
Congenital contractural arachnodactyly (CCA). Also called: BEALS SYNDROME; Arthrogryposis, distal, type 9; Beals-Hecht syndrome. Identifiers: Orphanet 115, MedGen C0220668, MONDO:0007363, OMIM 121050.

gnomAD v4.1: 2 of 1,613,910 alleles (0.00012%); highest among the groups gnomAD compares: Non-Finnish European, 0.00017%; no homozygotes.

Submissions (2):

Labcorp Genetics (formerly Invitae), Labcorp
Classification: Uncertain significance for Congenital contractural arachnodactyly. Last evaluated: 2025-10-30. Review status: criteria provided, single submitter. Criteria: Invitae Variant Classification Sherloc (09022015). Collection method: clinical testing. Allele origin: germline.
Comment: This sequence change replaces isoleucine, which is neutral and non-polar, with leucine, which is neutral and non-polar, at codon 2281 of the FBN2 protein (p.Ile2281Leu). This variant is present in population databases (no rsID available, gnomAD 0.01%). This variant has not been reported in the literature in individuals affected with FBN2-related conditions. ClinVar contains an entry for this variant (Variation ID: 3360843). Invitae Evidence Modeling of protein sequence and biophysical properties (such as structural, functional, and spatial information, amino acid conservation, physicochemical variation, residue mobility, and thermodynamic stability) indicates that this missense variant is not expected to disrupt FBN2 protein function with a negative predictive value of 80%. In summary, the available evidence is currently insufficient to determine the role of this variant in disease. Therefore, it has been classified as a Variant of Uncertain Significance.

GeneDx
Classification: Uncertain significance. Last evaluated: 2023-07-06. Review status: criteria provided, single submitter. Criteria: GeneDx Variant Classification Process June 2021. Collection method: clinical testing. Allele origin: germline. Affected: yes.
Comment: Has not been previously published as pathogenic or benign to our knowledge; Although located in a calcium-binding EGF-like domain of the FBN2 gene, it does not substitute or introduce a cysteine residue (Callewaert et al., 2009; Frederic et al., 2009); In silico analysis supports that this missense variant does not alter protein structure/function